The following is an entry in ClinVar:

ClinVar aggregate classification (germline): Pathogenic (1 of 4 stars; one submission).

Submission:

GeneDx
Classification: Pathogenic. Last evaluated: 2024-10-31. Review status: criteria provided, single submitter. Criteria: GeneDx Variant Classification Process June 2021. Collection method: clinical testing. Allele origin: germline. Affected: yes.
Comment: Frameshift variant predicted to result in protein truncation or nonsense mediated decay in a gene for which loss-of-function is a known mechanism of disease; Not observed at significant frequency in large population cohorts (gnomAD); This variant is associated with the following publications: (PMID: 16436638)

NM_005359.6(SMAD4):c.982dup (p.Tyr328fs)

Gene: SMAD4 (SMAD family member 4; plus strand). Cytogenetic location: 18q21.2.
Variant type: Duplication.
Coding change: c.982dup on transcript NM_005359.6 (MANE Select); coding-DNA position 982, one base duplicated (T; older notation c.982dupT).
Protein change: p.Tyr328fs; shifts the reading frame from tyrosine 328.
Molecular consequence: frameshift variant.
Genome position (GRCh38, 1-based): chr18:51,065,449, T duplicated; the last of 2 consecutive T bases (chr18:51,065,448-51,065,449); duplicating either gives the same sequence. VCF-style (leftmost placement, unchanged base first): chr18-51065447-C-CT. GRCh37 (hg19) VCF-style: chr18-48591817-C-CT.
Other names: c.982dup (NM_005359.5); short protein forms Y328fs.
Identifiers: ClinVar variation 3897165 (VCV003897165.1), dbSNP rs377767341.